The following is an entry in ClinVar:

NM_001242896.3(DEPDC5):c.2735G>A (p.Arg912Gln)

Gene: DEPDC5 (DEP domain containing 5, GATOR1 subcomplex subunit; plus strand). Cytogenetic location: 22q12.3.
Variant type: single nucleotide variant.
Coding change: c.2735G>A on transcript NM_001242896.3 (MANE Select); coding-DNA position 2735, G replaced by A.
Protein change: p.Arg912Gln; replaces arginine 912 with glutamine.
Molecular consequence: missense variant. On other transcripts: non-coding transcript variant (5).
Genome position (GRCh38, 1-based): chr22:31,843,746, G>A. VCF-style: chr22-31843746-G-A. GRCh37 (hg19) VCF-style: chr22-32239732-G-A.
Other names: c.2708G>A, p.Arg903Gln (NM_001136029.4, NM_001369903.1, NM_014662.6); c.2501G>A, p.Arg834Gln (NM_001242897.2, NM_001363854.2, NM_001364319.2); c.2735G>A, p.Arg912Gln (NM_001363852.2, NM_001364318.2, NM_001364320.2); c.2651G>A, p.Arg884Gln (NM_001369901.1, NM_001369902.1); short protein forms R834Q, R912Q, R884Q, R903Q.
Identifiers: ClinVar variation 407352 (VCV000407352.10), dbSNP rs781159677, ClinGen allele CA10196788.

ClinVar aggregate classification (germline): Uncertain significance (1 of 4 stars; one submission).

Conditions:
Familial focal epilepsy with variable foci (FPEVF). Identifiers: Orphanet 98820, MedGen C1858477, MONDO:0020310.

Allele frequency attached by ClinVar (database versions not stated): gnomAD exomes 0.00001; TOPMed 0.00001; ExAC 0.00002.
gnomAD v4.1: 36 of 1,614,054 alleles (0.0022%); highest among the groups gnomAD compares: South Asian, 0.0033%; 1 homozygote.

Submission:

Labcorp Genetics (formerly Invitae), Labcorp
Classification: Uncertain significance for Familial focal epilepsy with variable foci. Last evaluated: 2025-11-05. Review status: criteria provided, single submitter. Criteria: Invitae Variant Classification Sherloc (09022015). Collection method: clinical testing. Allele origin: germline.
Comment: This sequence change replaces arginine, which is basic and polar, with glutamine, which is neutral and polar, at codon 912 of the DEPDC5 protein (p.Arg912Gln). This variant is present in population databases (rs781159677, gnomAD 0.0009%). This variant has not been reported in the literature in individuals affected with DEPDC5-related conditions. ClinVar contains an entry for this variant (Variation ID: 407352). Experimental studies and prediction algorithms are not available or were not evaluated, and the functional significance of this variant is currently unknown. In summary, the available evidence is currently insufficient to determine the role of this variant in disease. Therefore, it has been classified as a Variant of Uncertain Significance.